The following is an entry in ClinVar:

NM_000426.4(LAMA2):c.3086G>A (p.Arg1029Gln)

Gene: LAMA2 (laminin subunit alpha 2; plus strand). Cytogenetic location: 6q22.33.
Variant type: single nucleotide variant.
Coding change: c.3086G>A on transcript NM_000426.4 (MANE Select); coding-DNA position 3086, G replaced by A.
Protein change: p.Arg1029Gln; replaces arginine 1029 with glutamine.
Molecular consequence: missense variant.
Genome position (GRCh38, 1-based): chr6:129,300,784, G>A. VCF-style: chr6-129300784-G-A. GRCh37 (hg19) VCF-style: chr6-129621929-G-A.
Other names: c.3086G>A, p.Arg1029Gln (NM_001079823.2); short protein forms R1029Q.
Identifiers: ClinVar variation 355262 (VCV000355262.8), dbSNP rs149993931, ClinGen allele CA3993165.

ClinVar aggregate classification (germline): Uncertain significance. Review status: criteria provided, multiple submitters, no conflicts (2 of 4 stars). 3 submissions from 3 submitters: Uncertain significance (3). Last evaluated 2022-07-09.

Conditions:
Congenital muscular dystrophy due to partial LAMA2 deficiency. Identifiers: MedGen C1842898.
LAMA2-related muscular dystrophy (LAMA2-RD). Also called: Laminin alpha 2-related dystrophy. Identifiers: MedGen C5679788, MONDO:0100228.

Allele frequency attached by ClinVar (database versions not stated): gnomAD exomes 0.00001 and 0.00002; ExAC 0.00002; gnomAD 0.00003; TOPMed 0.00007; ESP Exome Variant Server 0.00008; 1000 Genomes Project 30x 0.00016; 1000 Genomes Project 0.00020.
gnomAD v4.1: 22 of 1,613,172 alleles (0.0014%); highest among the groups gnomAD compares: Admixed American, 0.013%; no homozygotes.

Submissions (3):

Labcorp Genetics (formerly Invitae), Labcorp
Classification: Uncertain significance for LAMA2-related muscular dystrophy. Last evaluated: 2022-07-09. Review status: criteria provided, single submitter. Criteria: Invitae Variant Classification Sherloc (09022015). Collection method: clinical testing. Allele origin: germline.
Comment: This sequence change replaces arginine, which is basic and polar, with glutamine, which is neutral and polar, at codon 1029 of the LAMA2 protein (p.Arg1029Gln). This variant is present in population databases (rs149993931, gnomAD 0.009%). This variant has not been reported in the literature in individuals affected with LAMA2-related conditions. ClinVar contains an entry for this variant (Variation ID: 355262). Advanced modeling of protein sequence and biophysical properties (such as structural, functional, and spatial information, amino acid conservation, physicochemical variation, residue mobility, and thermodynamic stability) performed at Invitae indicates that this missense variant is not expected to disrupt LAMA2 protein function. In summary, the available evidence is currently insufficient to determine the role of this variant in disease. Therefore, it has been classified as a Variant of Uncertain Significance.

Revvity Omics, Revvity
Classification: Uncertain significance. Last evaluated: 2020-11-16. Review status: criteria provided, single submitter. Criteria: ACMG Guidelines, 2015. Collection method: clinical testing. Allele origin: germline.

Illumina Laboratory Services, Illumina
Classification: Uncertain significance for Congenital muscular dystrophy due to partial LAMA2 deficiency. Last evaluated: 2018-01-13. Review status: criteria provided, single submitter. Criteria: ICSL Variant Classification Criteria 13 December 2019. Collection method: clinical testing. Allele origin: germline.